The following is an entry in ClinVar:

NM_001029896.2(WDR45):c.397C>T (p.Arg133Ter)

Gene: WDR45 (WD repeat domain 45; minus strand). Cytogenetic location: Xp11.23.
Variant type: single nucleotide variant.
Coding change: c.397C>T on transcript NM_001029896.2 (MANE Select); coding-DNA position 397, C replaced by T.
Protein change: p.Arg133Ter; replaces arginine 133 with a stop codon.
Molecular consequence: nonsense.
Genome position (GRCh38, 1-based): chrX:49,076,469, G>A on the plus strand (C>T on the coding strand, the complement: WDR45 is on the minus strand). VCF-style: chrX-49076469-G-A. GRCh37 (hg19) VCF-style: chrX-48934128-G-A.
Other names: c.400C>T, p.Arg134Ter (NM_007075.4); short protein forms R134*, R133*.
Identifiers: ClinVar variation 212592 (VCV000212592.69), dbSNP rs797046101, ClinGen allele CA206368.
Genomic context (GRCh38, chrX:49,076,469, plus strand): 5'-TGTGTATCTGAGCCCTCTCACCCTTGGGGTTGTCCCGGGTATCAAACTCAAACAGCTTTC[G>A]GGGATTGTCGGGGAAGGAGTACACATAGATGCGGTTCTTCAGCACGATCACGATCCTGTG-3'

ClinVar aggregate classification (germline): Pathogenic/Likely pathogenic. Review status: criteria provided, multiple submitters, no conflicts (2 of 4 stars). 12 submissions from 12 submitters: Pathogenic (10); Likely pathogenic (1). 1 of the submissions does not count toward it. Last evaluated 2025-11-26.

Conditions:
X-linked cerebral-cerebellar-coloboma syndrome syndrome. Also called: Cerebral-cerebellar-coloboma syndrome, X-linked. Identifiers: Orphanet 163961, MedGen C3275487, MONDO:0010464, OMIM 300864.
Inborn genetic diseases. Identifiers: MedGen C0950123, MeSH D030342.
Neurodegeneration with brain iron accumulation 5 (NBIA5). Also called: Beta-propeller protein-associated neurodegeneration; STATIC ENCEPHALOPATHY OF CHILDHOOD WITH NEURODEGENERATION IN ADULTHOOD. Identifiers: Orphanet 329284, MedGen C3550973, MONDO:0010476, OMIM 300894.

Submissions (12):

3billion
Classification: Pathogenic for Neurodegeneration with brain iron accumulation 5. Last evaluated: 2025-11-26. Review status: criteria provided, single submitter. Criteria: ACMG Guidelines, 2015. Collection method: clinical testing. Allele origin: germline. Affected: yes.
Comment: The variant is not observed in the gnomAD v4.1.0 dataset. Predicted Consequence/Location: Stop-gained (nonsense): predicted to result in a loss or disruption of normal protein function through nonsense-mediated decay (NMD) or protein truncation. Multiple pathogenic variants are reported downstream of the variant. The variant has been previously reported as de novo in a similarly affected individual (PMID: 23176820). The variant has been reported at least twice as pathogenic with clinical assertions and evidence for the classification (ClinVar ID: VCV000212592 /PMID: 23176820 /3billion dataset). Therefore, this variant is classified as Pathogenic according to the recommendation of ACMG/AMP guideline.

Labcorp Genetics (formerly Invitae), Labcorp
Classification: Pathogenic for Neurodegeneration with brain iron accumulation 5. Last evaluated: 2024-08-12. Review status: criteria provided, single submitter. Criteria: Invitae Variant Classification Sherloc (09022015). Collection method: clinical testing. Allele origin: germline.
Comment: This sequence change creates a premature translational stop signal (p.Arg134*) in the WDR45 gene. It is expected to result in an absent or disrupted protein product. Loss-of-function variants in WDR45 are known to be pathogenic (PMID: 23176820, 24368176, 24621584, 25744623, 26790960, 27030146, 27652284, 28554332). This variant is not present in population databases (gnomAD no frequency). This premature translational stop signal has been observed in individual(s) with neurodegeneration with brain iron accumulation (NBIA), epileptic spasms and developmental delay, and West syndrome (PMID: 23176820, 25744623, 26609730, 27030146). In at least one individual the variant was observed to be de novo. ClinVar contains an entry for this variant (Variation ID: 212592). For these reasons, this variant has been classified as Pathogenic.

Ambry Genetics
Classification: Pathogenic for Inborn genetic diseases. Last evaluated: 2024-08-02. Review status: criteria provided, single submitter. Criteria: Ambry Variant Classification Scheme 2023. Collection method: clinical testing. Allele origin: germline.
Comment: The c.400C>T (p.R134*) alteration, located in exon 7 (coding exon 5) of the WDR45 gene, consists of a C to T substitution at nucleotide position 400. This changes the amino acid from a arginine (R) to a stop codon at amino acid position 134. This alteration is expected to result in loss of function by premature protein truncation or nonsense-mediated mRNA decay. This variant was not reported in population-based cohorts in the Genome Aggregation Database (gnomAD). This variant has been determined as heterozygous or has been determined to be the result of a de novo mutation in multiple individuals with seizures, absent speech, intellectual disability, specific MRI findings, cognitive dysfunction, and/or other clinical features consistent with beta-propeller protein-associated neurodegeneration (Haack, 2012; Nishioka, 2015; Chen, 2018). Based on the available evidence, this alteration is classified as pathogenic.

GeneDx
Classification: Pathogenic. Last evaluated: 2023-04-20. Review status: criteria provided, single submitter. Criteria: GeneDx Variant Classification Process June 2021. Collection method: clinical testing. Allele origin: germline. Affected: yes.
Comment: Nonsense variant predicted to result in protein truncation or nonsense mediated decay in a gene for which loss-of-function is a known mechanism of disease; Not observed in large population cohorts (gnomAD); This variant is associated with the following publications: (PMID: 23176820, 29981852, 25744623, 23687123, 26609730, 30369941, 25326635, 29445477, 27030146, 33084218, 33843443, 34077496)

Laboratory of Human Genetics, Universidade de São Paulo
Classification: Pathogenic for Neurodegeneration with brain iron accumulation 5. Last evaluated: 2022-03-16. Review status: criteria provided, single submitter. Criteria: ACMG Guidelines, 2015. Collection method: research. Allele origin: de novo. Inheritance: X-linked dominant inheritance. Affected: yes. Observed: 1 heterozygote.
Comment: This variant meets our criteria to be classified as pathogenic based upon segregation studies, absence from controls, and in-silico evaluation of pathogenicity.

Greenwood Genetic Center Diagnostic Laboratories, Greenwood Genetic Center
Classification: Pathogenic for Neurodegeneration with brain iron accumulation 5. Last evaluated: 2021-12-02. Review status: criteria provided, single submitter. Criteria: ACMG Guidelines, 2015. Collection method: clinical testing. Allele origin: germline. Affected: yes.
Comment: PVS1, PS2, PS4, PM2

CeGaT Center for Human Genetics Tuebingen
Classification: Pathogenic. Last evaluated: 2019-10-01. Review status: criteria provided, single submitter. Criteria: CeGaT Center For Human Genetics Tuebingen Variant Classification Criteria Version 2. Collection method: clinical testing. Allele origin: germline. Affected: yes. Observed: 1 variant allele.

Cytogénomique, Hospices Civils de Lyon
Classification: Pathogenic for Neurodegeneration with brain iron accumulation 5. Last evaluated: 2018-03-06. Review status: criteria provided, single submitter. Criteria: ACMG Guidelines, 2015. Collection method: clinical testing. Allele origin: de novo. Inheritance: X-linked inheritance. Affected: yes.

Baylor Genetics
Classification: Pathogenic for X-linked cerebral-cerebellar-coloboma syndrome syndrome. Last evaluated: 2017-09-01. Review status: criteria provided, single submitter. Criteria: ACMG Guidelines, 2015. Collection method: clinical testing. Allele origin: de novo. Inheritance: X-linked inheritance. Affected: yes.

Genetic Services Laboratory, University of Chicago
Classification: Likely pathogenic for Neurodegeneration with brain iron accululation 5. Last evaluated: 2015-07-07. Review status: criteria provided, single submitter. Criteria: ACMG Guidelines, 2015. Collection method: clinical testing. Allele origin: germline. Affected: yes.

Consultorio y Laboratorio de Neurogenética, Hospital JM Ramos Mejia
Classification: Pathogenic for Neurodegeneration with brain iron accumulation 5. Review status: criteria provided, single submitter. Criteria: CÃ³rdoba et al. (PLoS One. 2018). Collection method: clinical testing. Allele origin: unknown. Inheritance: Autosomal dominant inheritance. Affected: yes. Observed: 1 heterozygote.

Division of Human Genetics, Children's Hospital of Philadelphia
Classification: Pathogenic for Neurodegeneration with brain iron accumulation 5. Last evaluated: 2016-02-09. Review status: no assertion criteria provided. Collection method: research. Allele origin: germline. Affected: yes. Study: CSER-PediSeq. Not counted in ClinVar's aggregate classification.

Literature cited by the submitters: PubMed 23176820 (cited by 6 submitters); PubMed 24368176 (cited by Labcorp Genetics (formerly Invitae), Labcorp); PubMed 24621584 (cited by Labcorp Genetics (formerly Invitae), Labcorp); PubMed 25744623 (cited by Labcorp Genetics (formerly Invitae), Labcorp and Ambry Genetics); PubMed 26790960 (cited by Labcorp Genetics (formerly Invitae), Labcorp); PubMed 27030146 (cited by Labcorp Genetics (formerly Invitae), Labcorp); PubMed 27652284 (cited by Labcorp Genetics (formerly Invitae), Labcorp); PubMed 28554332 (cited by Labcorp Genetics (formerly Invitae), Labcorp); PubMed 26609730 (cited by Labcorp Genetics (formerly Invitae), Labcorp); PubMed 29981852 (cited by Ambry Genetics); PubMed 25326635 (cited by Baylor Genetics).